The following is an entry in ClinVar:

NM_005629.4(SLC6A8):c.1548C>A (p.Cys516Ter)

Gene: SLC6A8 (solute carrier family 6 member 8; plus strand). Cytogenetic location: Xq28.
Variant type: single nucleotide variant.
Coding change: c.1548C>A on transcript NM_005629.4 (MANE Select); coding-DNA position 1548, C replaced by A.
Protein change: p.Cys516Ter; replaces cysteine 516 with a stop codon.
Molecular consequence: nonsense.
Genome position (GRCh38, 1-based): chrX:153,694,585, C>A. VCF-style: chrX-153694585-C-A. GRCh37 (hg19) VCF-style: chrX-152960040-C-A.
Other names: c.1518C>A, p.Cys506Ter (NM_001142805.2); c.1203C>A, p.Cys401Ter (NM_001142806.1); short protein forms C401*, C506*, C516*.
Identifiers: ClinVar variation 1705030 (VCV001705030.3), dbSNP rs782074069, ClinGen allele CA415088410.

ClinVar aggregate classification (germline): Pathogenic/Likely pathogenic. Review status: criteria provided, multiple submitters, no conflicts (2 of 4 stars). 2 submissions from 2 submitters: Pathogenic (1); Likely pathogenic (1). Last evaluated 2024-04-01.

Conditions:
Creatine transporter deficiency (CCDS1). Also called: Creatine Transporter (CRTR) Deficiency; Mental retardation , X-linked with seizures, short stature and midface hypoplasia; Mental retardation , X-linked, with creatine transport deficiency; X-linked creatine transporter deficiency; X-linked creatine deficiency syndrome; SLC6A8-Related Creatine Transporter Deficiency. Identifiers: Orphanet 52503, MedGen C1845862, MONDO:0010305, OMIM 300352.

Submissions (2):

Labcorp Genetics (formerly Invitae), Labcorp
Classification: Pathogenic for Creatine transporter deficiency. Last evaluated: 2024-04-01. Review status: criteria provided, single submitter. Criteria: Invitae Variant Classification Sherloc (09022015). Collection method: clinical testing. Allele origin: germline.
Comment: This sequence change creates a premature translational stop signal (p.Cys516*) in the SLC6A8 gene. It is expected to result in an absent or disrupted protein product. Loss-of-function variants in SLC6A8 are known to be pathogenic (PMID: 22281021). This variant is not present in population databases (gnomAD no frequency). This variant has not been reported in the literature in individuals affected with SLC6A8-related conditions. ClinVar contains an entry for this variant (Variation ID: 1705030). For these reasons, this variant has been classified as Pathogenic.

HudsonAlpha Institute for Biotechnology
Classification: Likely pathogenic for Creatine transporter deficiency. Last evaluated: 2022-09-01. Review status: criteria provided, single submitter. Criteria: ACMG Guidelines, 2015. Collection method: research. Allele origin: maternal. Affected: yes. Observed: 1 variant allele. Study: CSER-HudsonAlpha.
Comment: ACMG codes:PVS1, PM2

Literature cited by the submitters: PubMed 22281021 (cited by Labcorp Genetics (formerly Invitae), Labcorp).